The following is an entry in ClinVar:

NM_000391.4(TPP1):c.925A>T (p.Met309Leu)

Gene: TPP1 (tripeptidyl peptidase 1; minus strand). Cytogenetic location: 11p15.4.
Variant type: single nucleotide variant.
Coding change: c.925A>T on transcript NM_000391.4 (MANE Select); coding-DNA position 925, A replaced by T.
Protein change: p.Met309Leu; replaces methionine 309 with leucine.
Molecular consequence: missense variant.
Genome position (GRCh38, 1-based): chr11:6,616,465, T>A on the plus strand (A>T on the coding strand, the complement: TPP1 is on the minus strand). VCF-style: chr11-6616465-T-A. GRCh37 (hg19) VCF-style: chr11-6637696-T-A.
Other names: c.925A>T (NM_000391.3); short protein forms M309L.
Identifiers: ClinVar variation 1019972 (VCV001019972.6), dbSNP rs763854371, ClinGen allele CA217322694.
Genomic context (GRCh38, chr11:6,616,465, plus strand): 5'-CATCATCTCCATAGCTCACAGTATGCACATGTGGCAGGGCTGACTCATTACTGAGCAGCA[T>A]GAGCCACTGCAGGAAGGGCTCCTGTCCCTCATGCCGGCCTGGATTTTTTTTTTTTTTTTT-3'
Protein context (NP_000382.3, residues 299-319): EGQEPFLQWL[Met309Leu]LLSNESALPH

ClinVar aggregate classification (germline): Conflicting classifications of pathogenicity. Review status: criteria provided, conflicting classifications (1 of 4 stars). 2 submissions from 2 submitters: Uncertain significance (1); Likely benign (1). Last evaluated 2024-02-28.

Conditions:
Inborn genetic diseases. Identifiers: MedGen C0950123, MeSH D030342.

Allele frequency attached by ClinVar (database versions not stated): TOPMed 0.00003.
gnomAD v4.1: 6 of 1,610,972 alleles (0.00037%); highest among the groups gnomAD compares: African/African-American, 0.0054%; no homozygotes.

Submissions (2):

Ambry Genetics
Classification: Likely benign for Inborn genetic diseases. Last evaluated: 2024-02-28. Review status: criteria provided, single submitter. Criteria: Ambry Variant Classification Scheme 2023. Collection method: clinical testing. Allele origin: germline.

Labcorp Genetics (formerly Invitae), Labcorp
Classification: Uncertain significance. Last evaluated: 2022-08-19. Review status: criteria provided, single submitter. Criteria: Invitae Variant Classification Sherloc (09022015). Collection method: clinical testing. Allele origin: germline.
Comment: This sequence change replaces methionine, which is neutral and non-polar, with leucine, which is neutral and non-polar, at codon 309 of the TPP1 protein (p.Met309Leu). This variant is present in population databases (no rsID available, gnomAD 0.02%). This variant has not been reported in the literature in individuals affected with TPP1-related conditions. ClinVar contains an entry for this variant (Variation ID: 1019972). Advanced modeling of protein sequence and biophysical properties (such as structural, functional, and spatial information, amino acid conservation, physicochemical variation, residue mobility, and thermodynamic stability) performed at Invitae indicates that this missense variant is not expected to disrupt TPP1 protein function. In summary, the available evidence is currently insufficient to determine the role of this variant in disease. Therefore, it has been classified as a Variant of Uncertain Significance.